The following is an entry in ClinVar:

ClinVar aggregate classification (germline): Likely benign. Review status: criteria provided, multiple submitters, no conflicts (2 of 4 stars). 2 submissions from 2 submitters: Likely benign (2). Last evaluated 2026-04-01.

Allele frequency attached by ClinVar (database versions not stated): ExAC 0.00001; gnomAD exomes 0.00001.
gnomAD v4.1: 3 of 1,612,402 alleles (0.00019%); highest among the groups gnomAD compares: Admixed American, 0.005%; no homozygotes.

Submissions (2):

CeGaT Center for Human Genetics Tuebingen
Classification: Likely benign. Last evaluated: 2026-04-01. Review status: criteria provided, single submitter. Criteria: CeGaT Center For Human Genetics Tuebingen Variant Classification Criteria Version 2. Collection method: clinical testing. Allele origin: germline. Affected: yes. Observed: 1 variant allele.
Comment: GRIN2D: BP4, BP7

Labcorp Genetics (formerly Invitae), Labcorp
Classification: Likely benign. Last evaluated: 2024-01-24. Review status: criteria provided, single submitter. Criteria: Invitae Variant Classification Sherloc (09022015). Collection method: clinical testing. Allele origin: germline.

NM_000836.4(GRIN2D):c.711C>G (p.Arg237=)

Gene: GRIN2D (glutamate ionotropic receptor NMDA type subunit 2D; plus strand). Cytogenetic location: 19q13.33.
Variant type: single nucleotide variant.
Coding change: c.711C>G on transcript NM_000836.4 (MANE Select); coding-DNA position 711, C replaced by G.
Protein change: p.Arg237=; no amino-acid change (arginine 237 retained).
Molecular consequence: synonymous variant.
Genome position (GRCh38, 1-based): chr19:48,404,979, C>G. VCF-style: chr19-48404979-C-G. GRCh37 (hg19) VCF-style: chr19-48908236-C-G.
Identifiers: ClinVar variation 1558555 (VCV001558555.10), dbSNP rs763302470, ClinGen allele CA9550375.